The following is an entry in ClinVar:

ClinVar aggregate classification (germline): Uncertain significance. Review status: criteria provided, multiple submitters, no conflicts (2 of 4 stars). 2 submissions from 2 submitters: Uncertain significance (2). Last evaluated 2023-10-04.

Conditions:
Cryopyrin associated periodic syndrome (CAPS). Identifiers: Orphanet 208650, MedGen C2316212, MONDO:0016168.

Allele frequency attached by ClinVar (database versions not stated): gnomAD exomes below 0.00001; ExAC 0.00001.
gnomAD v4.1: 1 of 1,614,232 alleles (0.000062%); highest among the groups gnomAD compares: Non-Finnish European, 0.000085%; no homozygotes.

Submissions (2):

GeneDx
Classification: Uncertain significance. Last evaluated: 2023-10-04. Review status: criteria provided, single submitter. Criteria: GeneDx Variant Classification Process June 2021. Collection method: clinical testing. Allele origin: germline. Affected: yes.
Comment: In silico analysis supports that this missense variant has a deleterious effect on protein structure/function; Has not been previously published as pathogenic or benign to our knowledge; Also known as p.(G812A)

Labcorp Genetics (formerly Invitae), Labcorp
Classification: Uncertain significance for Cryopyrin associated periodic syndrome. Last evaluated: 2022-10-17. Review status: criteria provided, single submitter. Criteria: Invitae Variant Classification Sherloc (09022015). Collection method: clinical testing. Allele origin: germline.
Comment: In summary, the available evidence is currently insufficient to determine the role of this variant in disease. Therefore, it has been classified as a Variant of Uncertain Significance. Advanced modeling of protein sequence and biophysical properties (such as structural, functional, and spatial information, amino acid conservation, physicochemical variation, residue mobility, and thermodynamic stability) has been performed at Invitae for this missense variant, however the output from this modeling did not meet the statistical confidence thresholds required to predict the impact of this variant on NLRP3 protein function. This variant has not been reported in the literature in individuals affected with NLRP3-related conditions. This variant is not present in population databases (gnomAD no frequency). This sequence change replaces glycine, which is neutral and non-polar, with alanine, which is neutral and non-polar, at codon 814 of the NLRP3 protein (p.Gly814Ala).

NM_001243133.2(NLRP3):c.2435G>C (p.Gly812Ala)

Gene: NLRP3 (NLR family pyrin domain containing 3; plus strand). Cytogenetic location: 1q44.
Variant type: single nucleotide variant.
Coding change: c.2435G>C on transcript NM_001243133.2 (MANE Select); coding-DNA position 2435, G replaced by C.
Protein change: p.Gly812Ala; replaces glycine 812 with alanine.
Molecular consequence: missense variant.
Genome position (GRCh38, 1-based): chr1:247,434,216, G>C. VCF-style: chr1-247434216-G-C. GRCh37 (hg19) VCF-style: chr1-247597518-G-C.
Other names: c.2435G>C, p.Gly812Ala (NM_001079821.3, NM_001127461.3); c.2264G>C, p.Gly755Ala (NM_001127462.3, NM_183395.3); c.2441G>C, p.Gly814Ala (NM_004895.5); short protein forms G812A, G755A, G814A.
Identifiers: ClinVar variation 1984632 (VCV001984632.5), dbSNP rs773060294, ClinGen allele CA1495239.